The following is an entry in ClinVar:

ClinVar aggregate classification (germline): Uncertain significance (1 of 4 stars; one submission).

Conditions:
FOXF2-related disorder. Also called: FOXF2-related condition.

gnomAD v4.1: 25 of 1,452,868 alleles (0.0017%); highest among the groups gnomAD compares: East Asian, 0.017%; no homozygotes.

Submission:

PreventionGenetics, part of Exact Sciences
Classification: Uncertain significance for FOXF2-related condition. Last evaluated: 2025-11-10. Review status: criteria provided, single submitter. Criteria: ACMG Guidelines, 2015. Collection method: clinical testing. Allele origin: germline.
Comment: The FOXF2 c.188C>T variant is predicted to result in the amino acid substitution p.Ser63Phe. To our knowledge, this variant has not been reported in the literature. This variant is reported in 0.011% of alleles in individuals of South Asian descent in gnomAD. At this time, the clinical significance of this variant is uncertain due to the absence of conclusive functional and genetic evidence.

NM_001452.2(FOXF2):c.188C>T (p.Ser63Phe)

Genes: FOXF2 (forkhead box F2; plus strand), FOXF2-DT (FOXF2 divergent transcript; minus strand). Cytogenetic location: 6p25.3.
Variant type: single nucleotide variant.
Coding change: c.188C>T on transcript NM_001452.2 (MANE Select); coding-DNA position 188, C replaced by T.
Protein change: p.Ser63Phe; replaces serine 63 with phenylalanine.
Molecular consequence: missense variant. On other transcripts: non-coding transcript variant (1).
Genome position (GRCh38, 1-based): chr6:1,390,135, C>T. VCF-style: chr6-1390135-C-T. GRCh37 (hg19) VCF-style: chr6-1390370-C-T.
Other names: short protein forms S63F.
Identifiers: ClinVar variation 4977291 (VCV004977291.1).
Genomic context (GRCh38, chr6:1,390,135, plus strand): 5'-AGACCACCTCCTCCTCCTCGTCGTCGTCCTCCGCCTCCTGCGCCTCGTCCTCGTCCTCCT[C>T]CAATTCGGCCAGCGCCCCCTCGGCTGCCTGCAAGAGCGCGGGCGGCGGCGGCGCGGGCGC-3'
Protein context (NP_001443.1, residues 53-73): SASCASSSSS[Ser63Phe]NSASAPSAAC